The following is an entry in ClinVar:

NM_005560.6(LAMA5):c.9505-9C>T

Gene: LAMA5 (laminin subunit alpha 5; minus strand). Cytogenetic location: 20q13.33.
Variant type: single nucleotide variant.
Coding change: c.9505-9C>T on transcript NM_005560.6 (MANE Select); 9 bases into the intron before coding-DNA position 9505, C replaced by T.
Molecular consequence: intron variant.
Genome position (GRCh38, 1-based): chr20:62,312,059, G>A on the plus strand (C>T on the coding strand, the complement: LAMA5 is on the minus strand). VCF-style: chr20-62312059-G-A. GRCh37 (hg19) VCF-style: chr20-60887115-G-A.
Identifiers: ClinVar variation 3352619 (VCV003352619.1).

ClinVar aggregate classification (germline): Likely benign (0 of 4 stars; one submission).

Conditions:
LAMA5-related disorder. Also called: LAMA5-related condition; LAMA5-Related Disorders.

gnomAD v4.1: 78 of 1,610,846 alleles (0.0048%); highest among the groups gnomAD compares: South Asian, 0.011%; no homozygotes.

Submission:

PreventionGenetics, part of Exact Sciences
Classification: Likely benign for LAMA5-related condition. Last evaluated: 2019-05-14. Review status: no assertion criteria provided. Collection method: clinical testing. Allele origin: germline.
Comment: This variant is classified as likely benign based on ACMG/AMP sequence variant interpretation guidelines (Richards et al. 2015 PMID: 25741868, with internal and published modifications).